The following is an entry in ClinVar:

ClinVar aggregate classification (germline): Uncertain significance (1 of 4 stars; one submission).

Submission:

Ambry Genetics
Classification: Uncertain significance. Last evaluated: 2022-06-21. Review status: criteria provided, single submitter. Criteria: Ambry Variant Classification Scheme 2023. Collection method: clinical testing. Allele origin: germline.
Comment: The p.G1676V variant (also known as c.5027G>T), located in coding exon 4 of the ALPK2 gene, results from a G to T substitution at nucleotide position 5027. The glycine at codon 1676 is replaced by valine, an amino acid with dissimilar properties. This amino acid position is conserved. In addition, this alteration is predicted to be tolerated by in silico analysis. Since supporting evidence is limited at this time, the clinical significance of this alteration remains unclear.

NM_052947.4(ALPK2):c.5027G>T (p.Gly1676Val)

Genes: ALPK2 (alpha kinase 2; minus strand), LOC130062577 (ATAC-STARR-seq lymphoblastoid active region 13389; plus strand). Cytogenetic location: 18q21.31.
Variant type: single nucleotide variant.
Coding change: c.5027G>T on transcript NM_052947.4 (MANE Select); coding-DNA position 5027, G replaced by T.
Protein change: p.Gly1676Val; replaces glycine 1676 with valine.
Molecular consequence: missense variant.
Genome position (GRCh38, 1-based): chr18:58,535,160, C>A on the plus strand (G>T on the coding strand, the complement: ALPK2 is on the minus strand). VCF-style: chr18-58535160-C-A. GRCh37 (hg19) VCF-style: chr18-56202392-C-A.
Other names: short protein forms G1676V.
Identifiers: ClinVar variation 1744865 (VCV001744865.2), dbSNP rs2518873629, ClinGen allele CA402558790.
Genomic context (GRCh38, chr18:58,535,160, plus strand): 5'-CCTGCTCGGGCTTCCAGGGACTTCTCTCTCTCCCTGGACTTTTTCGCACAGCCCAGGGTG[C>A]CCTTTTGACATGGATCCTGCAGTAATTTAGGGGCTTTCTCTAACTCACGTTCTCCTGAAA-3'
Protein context (NP_443179.3, residues 1666-1686): PKLLQDPCQK[Gly1676Val]TLGCAKKSRE